The following is an entry in ClinVar:

NM_001103.4(ACTN2):c.1081A>G (p.Met361Val)

Gene: ACTN2 (actinin alpha 2; plus strand). Cytogenetic location: 1q43.
Variant type: single nucleotide variant.
Coding change: c.1081A>G on transcript NM_001103.4 (MANE Select); coding-DNA position 1081, A replaced by G.
Protein change: p.Met361Val; replaces methionine 361 with valine.
Molecular consequence: missense variant.
Genome position (GRCh38, 1-based): chr1:236,739,506, A>G. VCF-style: chr1-236739506-A-G. GRCh37 (hg19) VCF-style: chr1-236902806-A-G.
Other names: c.1081A>G, p.Met361Val (NM_001278343.2); c.457A>G, p.Met153Val (NM_001278344.2); short protein forms M361V, M153V.
Identifiers: ClinVar variation 412269 (VCV000412269.20), dbSNP rs368409665, ClinGen allele CA1473036.

ClinVar aggregate classification (germline): Conflicting classifications of pathogenicity. Review status: criteria provided, conflicting classifications (1 of 4 stars). 7 submissions from 7 submitters: Uncertain significance (6); Likely benign (1). Last evaluated 2024-07-19.

Conditions:
Dilated cardiomyopathy 1AA (CMD1AA). Also called: CARDIOMYOPATHY, DILATED, 1AA, WITH OR WITHOUT LEFT VENTRICULAR NONCOMPACTION; CARDIOMYOPATHY, FAMILIAL HYPERTROPHIC, 23, WITH OR WITHOUT LEFT VENTRICULAR NONCOMPACTION; Cardiomyopathy, dilated, 1AA, with or without LVNC. Identifiers: Orphanet 154, MedGen C2677338, MONDO:0012808, OMIM 612158.
Primary familial hypertrophic cardiomyopathy (HCM). Identifiers: Orphanet 99739, MedGen C0949658, MeSH D024741, MONDO:0024573. Inheritance: Various modes of inheritance.
Cardiovascular phenotype. Identifiers: MedGen CN230736.

Allele frequency attached by ClinVar (database versions not stated): TOPMed below 0.00001; gnomAD 0.00002; gnomAD exomes 0.00002 and 0.00013; ExAC 0.00003; ESP Exome Variant Server 0.00008.
gnomAD v4.1: 84 of 1,614,070 alleles (0.0052%); highest among the groups gnomAD compares: East Asian, 0.18%; no homozygotes.

Submissions (7):

Labcorp Genetics (formerly Invitae), Labcorp
Classification: Likely benign for Primary familial hypertrophic cardiomyopathy; Dilated cardiomyopathy 1AA. Last evaluated: 2024-07-19. Review status: criteria provided, single submitter. Criteria: Invitae Variant Classification Sherloc (09022015). Collection method: clinical testing. Allele origin: germline.

Ambry Genetics
Classification: Uncertain significance for Cardiovascular phenotype. Last evaluated: 2024-03-16. Review status: criteria provided, single submitter. Criteria: Ambry Variant Classification Scheme 2023. Collection method: clinical testing. Allele origin: germline.
Comment: The p.M361V variant (also known as c.1081A>G), located in coding exon 10 of the ACTN2 gene, results from an A to G substitution at nucleotide position 1081. The methionine at codon 361 is replaced by valine, an amino acid with highly similar properties. This amino acid position is conserved. In addition, the in silico prediction for this alteration is inconclusive. Since supporting evidence is limited at this time, the clinical significance of this alteration remains unclear.

Clinical Genetics Laboratory, Skane University Hospital Lund
Classification: Uncertain significance. Last evaluated: 2023-08-29. Review status: criteria provided, single submitter. Criteria: ACMG Guidelines, 2015. Collection method: clinical testing. Allele origin: germline. Affected: yes.

Women's Health and Genetics/Laboratory Corporation of America, LabCorp
Classification: Uncertain significance. Last evaluated: 2023-05-16. Review status: criteria provided, single submitter. Criteria: LabCorp Variant Classification Summary - May 2015. Collection method: clinical testing. Allele origin: germline.
Comment: Variant summary: ACTN2 c.1081A>G (p.Met361Val) results in a conservative amino acid change in the encoded protein sequence. Three of five in-silico tools predict a benign effect of the variant on protein function. The variant allele was found at a frequency of 2e-05 in 251122 control chromosomes. The available data on variant occurrences in the general population are insufficient to allow any conclusion about variant significance. c.1081A>G has been reported in the literature in an individual affected with Neurally mediated syncope without strong evidence of causality (Lee_2022). This report does not provide unequivocal conclusions about association of the variant with Cardiomyopathy. To our knowledge, no experimental evidence demonstrating an impact on protein function has been reported. The following publication has been ascertained in the context of this evaluation (PMID: 36005429). Four submitters have provided clinical-significance assessments for this variant to ClinVar after 2014, and classified it as likely benign (n=1) or uncertain significance (n=3). Based on the evidence outlined above, the variant was classified as uncertain significance.

GeneDx
Classification: Uncertain significance. Last evaluated: 2023-03-14. Review status: criteria provided, single submitter. Criteria: GeneDx Variant Classification Process June 2021. Collection method: clinical testing. Allele origin: germline. Affected: yes.
Comment: Has not been previously published as pathogenic or benign to our knowledge; Not observed at significant frequency in large population cohorts (gnomAD); In silico analysis supports that this missense variant does not alter protein structure/function

Phosphorus, Inc.
Classification: Uncertain significance. Last evaluated: 2022-01-19. Review status: criteria provided, single submitter. Criteria: ACMG Guidelines, 2015. Collection method: clinical testing. Allele origin: germline. Inheritance: Autosomal dominant inheritance.
Comment: This missense variant results in an amino acid substitution of Methionine with Valine at codon 361 of the ACTN2 gene (transcript: NM_001278343.1). This variant has an entry in ClinVar (412269) NM_001103.4(ACTN2):c.1081A>G (p.Met361Val). This variant occurred in gnomAD with a total MAF of 0.0024%and with the highest MAF of 0.0232% in the East Asian population. This position is conserved. In silico functional algorithms disagree and predict this variant to be possibly damaging (PolyPhen) and tolerated (SIFT). However, no functional studies were performed to confirm either of those predictions. The variant has not occurred in the literature in association with the disease. Considering that this is a rare variant and the available evidence is not enough to ascertain its role in disease, it has been classified as Variant of Uncertain Significance.

Illumina Laboratory Services, Illumina
Classification: Uncertain significance for Dilated cardiomyopathy 1AA. Last evaluated: 2017-04-27. Review status: criteria provided, single submitter. Criteria: ICSL Variant Classification Criteria 13 December 2019. Collection method: clinical testing. Allele origin: germline.

Literature cited by the submitters: PubMed 36005429 (cited by Women's Health and Genetics/Laboratory Corporation of America, LabCorp).